The following is an entry in ClinVar:

NM_004329.3(BMPR1A):c.571C>T (p.Arg191Cys)

Gene: BMPR1A (bone morphogenetic protein receptor type 1A; plus strand). Cytogenetic location: 10q23.2.
Variant type: single nucleotide variant.
Coding change: c.571C>T on transcript NM_004329.3 (MANE Select); coding-DNA position 571, C replaced by T.
Protein change: p.Arg191Cys; replaces arginine 191 with cysteine.
Molecular consequence: missense variant.
Genome position (GRCh38, 1-based): chr10:86,912,280, C>T. VCF-style: chr10-86912280-C-T. GRCh37 (hg19) VCF-style: chr10-88672037-C-T.
Other names: short protein forms R191C.
Identifiers: ClinVar variation 489698 (VCV000489698.29), dbSNP rs1053423400, ClinGen allele CA211200419.

ClinVar aggregate classification (germline): Conflicting classifications of pathogenicity. Review status: criteria provided, conflicting classifications (1 of 4 stars). 9 submissions from 9 submitters: Uncertain significance (8); Likely benign (1). Last evaluated 2025-12-13.

Conditions:
Polyposis syndrome, hereditary mixed, 2. Identifiers: Orphanet 157794, MedGen C1864730, MONDO:0012405, OMIM 610069.
Juvenile polyposis syndrome (JPS). Identifiers: Orphanet 2929, MedGen C0345893, MONDO:0017380, OMIM 174900.
Hereditary cancer-predisposing syndrome. Also called: Tumor predisposition; Neoplastic Syndromes, Hereditary; Hereditary Cancer Syndrome; Hereditary neoplastic syndrome. Identifiers: Orphanet 140162, MedGen C0027672, MeSH D009386, MONDO:0015356.

Allele frequency attached by ClinVar (database versions not stated): gnomAD exomes below 0.00001; gnomAD 0.00001; TOPMed 0.00001.
gnomAD v4.1: 17 of 1,613,740 alleles (0.0011%); highest among the groups gnomAD compares: Middle Eastern, 0.033%; no homozygotes.

Submissions (9):

Labcorp Genetics (formerly Invitae), Labcorp
Classification: Uncertain significance for Juvenile polyposis syndrome. Last evaluated: 2025-12-13. Review status: criteria provided, single submitter. Criteria: Invitae Variant Classification Sherloc (09022015). Collection method: clinical testing. Allele origin: germline.
Comment: This sequence change replaces arginine, which is basic and polar, with cysteine, which is neutral and slightly polar, at codon 191 of the BMPR1A protein (p.Arg191Cys). This variant is present in population databases (no rsID available, gnomAD 0.002%). This variant has not been reported in the literature in individuals affected with BMPR1A-related conditions. ClinVar contains an entry for this variant (Variation ID: 489698). Invitae Evidence Modeling incorporating data from in vitro experimental studies (internal data) indicates that this missense variant is not expected to disrupt BMPR1A function with a negative predictive value of 95%. In summary, the available evidence is currently insufficient to determine the role of this variant in disease. Therefore, it has been classified as a Variant of Uncertain Significance.

Ambry Genetics
Classification: Likely benign for Hereditary cancer-predisposing syndrome. Last evaluated: 2025-12-05. Review status: criteria provided, single submitter. Criteria: Ambry Variant Classification Scheme 2023. Collection method: clinical testing. Allele origin: germline.

GeneDx
Classification: Uncertain significance. Last evaluated: 2025-03-20. Review status: criteria provided, single submitter. Criteria: GeneDx Variant Classification Process June 2021. Collection method: clinical testing. Allele origin: germline. Affected: yes.
Comment: Not observed at significant frequency in large population cohorts (gnomAD); In silico analysis indicates that this missense variant does not alter protein structure/function; Has not been previously published as pathogenic or benign to our knowledge

Center for Genomic Medicine, Rigshospitalet, Copenhagen University Hospital
Classification: Uncertain significance. Last evaluated: 2025-03-04. Review status: criteria provided, single submitter. Criteria: ACMG Guidelines, 2015. Collection method: clinical testing. Allele origin: germline.

All of Us Research Program, National Institutes of Health
Classification: Uncertain significance for Juvenile polyposis syndrome. Last evaluated: 2024-04-10. Review status: criteria provided, single submitter. Criteria: ACMG Guidelines, 2015. Collection method: clinical testing. Allele origin: germline. Inheritance: Autosomal dominant inheritance. Observed: 5 variant alleles, 5 heterozygotes.
Comment: This missense variant replaces arginine with cysteine at codon 191 of the BMPR1A protein. Computational prediction suggests that this variant may not impact protein structure and function (internally defined REVEL score threshold <= 0.5, PMID: 27666373). Splice site prediction tools suggest that this variant may not impact RNA splicing. To our knowledge, functional studies have not been reported for this variant. This variant has not been reported in individuals affected with hereditary cancer in the literature. This variant has been identified in 2/282728 chromosomes in the general population by the Genome Aggregation Database (gnomAD). The available evidence is insufficient to determine the role of this variant in disease conclusively. Therefore, this variant is classified as a Variant of Uncertain Significance.

This study involves interpretation of variants in research participants for the purpose of population health screening. Participant phenotype was not available at the time of variant classification. Additional details can be found in publication PMID: 35346344, PMCID: PMC8962531

Color Diagnostics, LLC DBA Color Health
Classification: Uncertain significance for Hereditary cancer-predisposing syndrome. Last evaluated: 2024-01-16. Review status: criteria provided, single submitter. Criteria: ACMG Guidelines, 2015. Collection method: clinical testing. Allele origin: germline.
Comment: This missense variant replaces arginine with cysteine at codon 191 of the BMPR1A protein. Computational prediction suggests that this variant may not impact protein structure and function (internally defined REVEL score threshold <= 0.5, PMID: 27666373). To our knowledge, functional studies have not been reported for this variant. This variant has not been reported in individuals affected with BMPR1A-related disorders in the literature. This variant has been identified in 2/282728 chromosomes in the general population by the Genome Aggregation Database (gnomAD). The available evidence is insufficient to determine the role of this variant in disease conclusively. Therefore, this variant is classified as a Variant of Uncertain Significance.

Baylor Genetics
Classification: Uncertain significance for Polyposis syndrome, hereditary mixed, 2. Last evaluated: 2023-12-01. Review status: criteria provided, single submitter. Criteria: ACMG Guidelines, 2015. Collection method: clinical testing. Allele origin: unknown.

Sema4
Classification: Uncertain significance for Hereditary cancer-predisposing syndrome. Last evaluated: 2022-01-18. Review status: criteria provided, single submitter. Criteria: Sema4 Curation Guidelines. Collection method: curation. Allele origin: germline.
Comment: The BMPR1A c.571C>T (p.R191C) variant has not been reported in the literature to our knowledge. It was observed in 2/129088 chromosomes of the Non-Finnish European (NFE) subpopulation in the large and broad cohorts of the Genome Aggregation Database (PMID: 32461654). This variant has been reported in ClinVar (Variation ID 489698). Functional studies have not been performed, and in silico predictions of the variant's effect on protein function are inconclusive. The evidence is insufficient to meet ACMG/AMP criteria for classifying the variant as benign or pathogenic. Thus, the clinical significance of this variant is currently uncertain.

Fulgent Genetics
Classification: Uncertain significance for Juvenile polyposis syndrome; Polyposis syndrome, hereditary mixed, 2. Last evaluated: 2021-09-27. Review status: criteria provided, single submitter. Criteria: ACMG Guidelines, 2015. Collection method: clinical testing. Allele origin: unknown.